The following is an entry in ClinVar:

ClinVar aggregate classification (germline): Uncertain significance (1 of 4 stars; one submission).

Allele frequency attached by ClinVar (database versions not stated): gnomAD exomes 0.00005 and 0.00016; ExAC 0.00016; 1000 Genomes Project 0.00040; gnomAD 0.00058 and 0.00060; TOPMed 0.00060; 1000 Genomes Project 30x 0.00062; ESP Exome Variant Server 0.00092.
gnomAD v4.1: 173 of 1,614,210 alleles (0.011%); highest among the groups gnomAD compares: African/African-American, 0.21%; no homozygotes.

Submission:

Labcorp Genetics (formerly Invitae), Labcorp
Classification: Uncertain significance. Last evaluated: 2022-02-22. Review status: criteria provided, single submitter. Criteria: Invitae Variant Classification Sherloc (09022015). Collection method: clinical testing. Allele origin: germline.
Comment: This sequence change replaces aspartic acid, which is acidic and polar, with glycine, which is neutral and non-polar, at codon 1474 of the DNAH9 protein (p.Asp1474Gly). This variant is present in population databases (rs150408723, gnomAD 0.2%). This missense change has been observed in individual(s) with primary ciliary dyskinesia (PMID: 32037394). Algorithms developed to predict the effect of missense changes on protein structure and function are either unavailable or do not agree on the potential impact of this missense change (SIFT: "Deleterious"; PolyPhen-2: "Possibly Damaging"; Align-GVGD: "Class C0"). Algorithms developed to predict the effect of sequence changes on RNA splicing suggest that this variant may create or strengthen a splice site. In summary, the available evidence is currently insufficient to determine the role of this variant in disease. Therefore, it has been classified as a Variant of Uncertain Significance.

Literature cited by the submitters: PubMed 32037394.

NM_001372.4(DNAH9):c.4421A>G (p.Asp1474Gly)

Gene: DNAH9 (dynein axonemal heavy chain 9; plus strand). Cytogenetic location: 17p12.
Variant type: single nucleotide variant.
Coding change: c.4421A>G on transcript NM_001372.4 (MANE Select); coding-DNA position 4421, A replaced by G.
Protein change: p.Asp1474Gly; replaces aspartic acid 1474 with glycine.
Molecular consequence: missense variant.
Genome position (GRCh38, 1-based): chr17:11,690,243, A>G. VCF-style: chr17-11690243-A-G. GRCh37 (hg19) VCF-style: chr17-11593560-A-G.
Other names: short protein forms D1474G.
Identifiers: ClinVar variation 1406019 (VCV001406019.5), dbSNP rs150408723, ClinGen allele CA8395665.
Genomic context (GRCh38, chr17:11,690,243, plus strand): 5'-ACCCACGGACCAATGTCCCCCTCCTGTGCTCTGATGAGGACCTCATAGAGGTTCTGGAGG[A>G]TAATCAAGTTCAACTTCAGAACCTGGTGATGTCCAAGTATGTTGCTTTCTTCTTGGAGGA-3'
Protein context (NP_001363.2, residues 1464-1484): SDEDLIEVLE[Asp1474Gly]NQVQLQNLVM